The following is an entry in ClinVar:

NM_001267550.2(TTN):c.44494del (p.Glu14832fs)

Gene: TTN (titin; minus strand). Cytogenetic location: 2q31.2.
Variant type: Deletion.
Coding change: c.44494del on transcript NM_001267550.2 (MANE Select); coding-DNA position 44494, one base deleted (G; older notation c.44494delG).
Protein change: p.Glu14832fs; shifts the reading frame from glutamic acid 14832.
Molecular consequence: frameshift variant.
Genome position (GRCh38, 1-based): chr2:178,625,327, C deleted on the plus strand (G on the coding strand, the reverse complement: TTN is on the minus strand); the first of 4 consecutive C bases (chr2:178,625,327-178,625,330); deleting any one gives the same sequence. VCF-style (leftmost placement, unchanged base first): chr2-178625326-TC-T. GRCh37 (hg19) VCF-style: chr2-179490053-TC-T.
Other names: c.39571del, p.Glu13191fs (NM_001256850.1); c.17299del, p.Glu5767fs (NM_003319.4); c.36790del, p.Glu12264fs (NM_133378.4); c.17674del, p.Glu5892fs (NM_133432.3); c.17875del, p.Glu5959fs (NM_133437.4); c.44494delG (NM_001267550.2); short protein forms E13191fs, E14832fs, E5892fs, E5767fs, E12264fs, E5959fs.
Identifiers: ClinVar variation 535051 (VCV000535051.9), dbSNP rs1553725355, ClinGen allele CA658796014.

ClinVar aggregate classification (germline): Likely pathogenic (1 of 4 stars; one submission).

Conditions:
Autosomal recessive limb-girdle muscular dystrophy type 2J (LGMDR10). Also called: Limb-girdle muscular dystrophy, type 2J; MUSCULAR DYSTROPHY, LIMB-GIRDLE, AUTOSOMAL RECESSIVE 10. Identifiers: Orphanet 140922, MedGen C1837342, MONDO:0012127, OMIM 608807.
Dilated cardiomyopathy 1G (CMD1G). Identifiers: Orphanet 154, MedGen C1858763, MONDO:0011400, OMIM 604145.

Submission:

Labcorp Genetics (formerly Invitae), Labcorp
Classification: Likely pathogenic for Dilated cardiomyopathy 1G; Autosomal recessive limb-girdle muscular dystrophy type 2J. Last evaluated: 2025-08-27. Review status: criteria provided, single submitter. Criteria: Invitae Variant Classification Sherloc (09022015). Collection method: clinical testing. Allele origin: germline.
Comment: This sequence change creates a premature translational stop signal (p.Glu14832Lysfs*4) in the TTN gene. While this is not anticipated to result in nonsense mediated decay, it is expected to create a truncated TTN protein. This variant is not present in population databases (gnomAD no frequency). This variant has not been reported in the literature in individuals affected with TTN-related conditions. ClinVar contains an entry for this variant (Variation ID: 535051). This variant is located in the I band of TTN (PMID: 25589632). Truncating variants in this region have been reported in individuals affected with autosomal recessive centronuclear myopathy (PMID: 23975875, internal data). Truncating variants in this region have also been identified in individuals affected with autosomal dominant dilated cardiomyopathy and/or cardio-related conditions (PMID: 27869827, 32964742, internal data). In summary, the currently available evidence indicates that the variant is pathogenic, but additional data are needed to prove that conclusively. Therefore, this variant has been classified as Likely Pathogenic.

Literature cited by the submitters: PubMed 25589632; PubMed 23975875; PubMed 27869827; PubMed 32964742.